The following is an entry in ClinVar:

ClinVar aggregate classification (germline): Uncertain significance. Review status: criteria provided, single submitter (1 of 4 stars). 2 submissions from 2 submitters: Uncertain significance (1). 1 of the submissions does not count toward it. Last evaluated 2026-03-20.

Conditions:
GNPTG-mucolipidosis. Also called: ML III GAMMA; ML IIIC; Mucolipidosis type III gamma; MUCOLIPIDOSIS III, COMPLEMENTATION GROUP C; MUCOLIPIDOSIS III, IRANIAN VARIANT FORM; MUCOLIPIDOSIS III, VARIANT FORM. Identifiers: Orphanet 423470, Orphanet 577, MedGen C1854896, MONDO:0009652, OMIM 252605.

gnomAD v4.1: 2 of 1,613,212 alleles (0.00012%); highest among the groups gnomAD compares: Non-Finnish European, 0.00017%; no homozygotes.

Submissions (2):

Women's Health and Genetics/Laboratory Corporation of America, LabCorp
Classification: Uncertain significance. Last evaluated: 2026-03-20. Review status: criteria provided, single submitter. Criteria: LabCorp Variant Classification Summary - May 2015. Collection method: clinical testing. Allele origin: germline.
Comment: Variant summary: GNPTG c.500T>C (p.Leu167Pro) results in a non-conservative amino acid change in the encoded protein sequence. Algorithms developed to predict the effect of missense changes on protein structure and function all suggest that this variant is likely to be disruptive. The variant allele was found at a frequency of 8e-06 in 249630 control chromosomes. The available data on variant occurrences in the general population are insufficient to allow any conclusion about variant significance. To our knowledge, no occurrence of c.500T>C in individuals affected with GNPTG-related conditions and no experimental evidence demonstrating its impact on protein function have been reported. ClinVar contains an entry for this variant (Variation ID: 4068892). Based on the evidence outlined above, the variant was classified as uncertain significance.

Natera, Inc.
Classification: Uncertain significance for Mucolipidosis III gamma. Last evaluated: 2025-02-19. Review status: no assertion criteria provided. Collection method: clinical testing. Allele origin: germline. Not counted in ClinVar's aggregate classification.

NM_032520.5(GNPTG):c.500T>C (p.Leu167Pro)

Gene: GNPTG (N-acetylglucosamine-1-phosphate transferase subunit gamma; plus strand). Cytogenetic location: 16p13.3.
Variant type: single nucleotide variant.
Coding change: c.500T>C on transcript NM_032520.5 (MANE Select); coding-DNA position 500, T replaced by C.
Protein change: p.Leu167Pro; replaces leucine 167 with proline.
Molecular consequence: missense variant.
Genome position (GRCh38, 1-based): chr16:1,362,294, T>C. VCF-style: chr16-1362294-T-C. GRCh37 (hg19) VCF-style: chr16-1412295-T-C.
Other names: short protein forms L167P.
Identifiers: ClinVar variation 4068892 (VCV004068892.2).